The following is an entry in ClinVar:

NM_001365999.1(SZT2):c.7702A>G (p.Met2568Val)

Gene: SZT2 (SZT2 subunit of KICSTOR complex; plus strand). Cytogenetic location: 1p34.2.
Variant type: single nucleotide variant.
Coding change: c.7702A>G on transcript NM_001365999.1 (MANE Select); coding-DNA position 7702, A replaced by G.
Protein change: p.Met2568Val; replaces methionine 2568 with valine.
Molecular consequence: missense variant.
Genome position (GRCh38, 1-based): chr1:43,441,778, A>G. VCF-style: chr1-43441778-A-G. GRCh37 (hg19) VCF-style: chr1-43907449-A-G.
Other names: c.7531A>G, p.Met2511Val (NM_015284.4); short protein forms M2511V, M2568V.
Identifiers: ClinVar variation 4077178 (VCV004077178.1).

ClinVar aggregate classification (germline): Uncertain significance (1 of 4 stars; one submission).

gnomAD v4.1: 2 of 1,614,014 alleles (0.00012%); highest among the groups gnomAD compares: African/African-American, 0.0027%; no homozygotes.

Submission:

GeneDx
Classification: Uncertain significance. Last evaluated: 2025-02-27. Review status: criteria provided, single submitter. Criteria: GeneDx Variant Classification Process June 2021. Collection method: clinical testing. Allele origin: germline. Affected: yes.
Comment: Not observed at significant frequency in large population cohorts (gnomAD); In silico analysis indicates that this missense variant does not alter protein structure/function; Has not been previously published as pathogenic or benign to our knowledge